The following is an entry in ClinVar:

ClinVar aggregate classification (germline): Likely benign. Review status: reviewed by expert panel (3 of 4 stars). 5 submissions from 5 submitters: Likely benign (1). 4 of the submissions do not count toward it. Last evaluated 2025-03-18.

Conditions:
Cerebral creatine deficiency syndrome. Also called: Creatine deficiency syndromes. Identifiers: Orphanet 79172, MedGen C5244016, MONDO:0000456.
Inborn genetic diseases. Identifiers: MedGen C0950123, MeSH D030342.
Deficiency of guanidinoacetate methyltransferase (CCDS2). Also called: GAMT DEFICIENCY; Guanidinoacetate Methyltransferase (GAMT) Deficiency; CEREBRAL CREATINE DEFICIENCY SYNDROME 2. Identifiers: Orphanet 382, MedGen C0574080, MONDO:0012999, OMIM 612736.

Allele frequency attached by ClinVar (database versions not stated): gnomAD exomes 0.00006 and 0.00025; gnomAD 0.00008 and 0.00009; TOPMed 0.00014; ExAC 0.00045.

Submissions (5):

ClinGen Cerebral Creatine Deficiency Syndromes Variant Curation Expert Panel, ClinGen
Classification: Likely benign for Deficiency of guanidinoacetate methyltransferase. Last evaluated: 2025-03-18. Review status: reviewed by expert panel. Criteria: ClinGen CCDS ACMG Specifications GAMT V2.0.0. Collection method: curation. Allele origin: germline. Inheritance: Autosomal recessive inheritance.
Comment: The NM_000156.6:c.242C>T variant in GAMT is a missense variant that is predicted to cause the substitution of an alanine by a valine at amino acid position 81 (p.Ala81Val). To our knowledge, this variant has not been reported among individuals with GAMT deficiency and results of functional studies are unavailable. The GrpMax filtering allele frequency in gnomAD v4.1.0. is 0.001232 in the E. Asian population, which is higher than the ClinGen CCDS VCEP's threshold for BS1 (>0.001), and therefore meets this criterion. The computational predictor REVEL gives a score of 0.197 which is below the threshold of 0.29, evidence that does not predict a damaging effect on GAMT function (BP4). There is a ClinVar entry for this variant (Variation ID: 205576). In summary, this variant meets the criteria to be classified as likely benign for GAMT deficiency based on the GAMT-specific ACMG/AMP criteria applied, as specified by the ClinGen Cerebral Creatine Deficiency Syndromes Variant Curation Expert Panel (Specifications Version 2.0.0): BS1, BP4. (Classification approved by the ClinGen Cerebral Creatine Deficiencies Variant Curation Expert Panel on March 18, 2025)

Labcorp Genetics (formerly Invitae), Labcorp
Classification: Likely benign for Cerebral creatine deficiency syndrome. Last evaluated: 2026-01-24. Review status: criteria provided, single submitter. Criteria: Invitae Variant Classification Sherloc (09022015). Collection method: clinical testing. Allele origin: germline. Not counted in ClinVar's aggregate classification.

GeneDx
Classification: Uncertain significance. Last evaluated: 2020-01-10. Review status: criteria provided, single submitter. Criteria: GeneDx Variant Classification Process June 2021. Collection method: clinical testing. Allele origin: germline. Affected: yes. Not counted in ClinVar's aggregate classification.
Comment: In silico analysis, which includes protein predictors and evolutionary conservation, supports that this variant does not alter protein structure/function; Has not been previously published as pathogenic or benign to our knowledge

Ambry Genetics
Classification: Benign for Inborn genetic diseases. Last evaluated: 2018-11-24. Review status: criteria provided, single submitter. Criteria: Ambry Variant Classification Scheme 2023. Collection method: clinical testing. Allele origin: germline. Not counted in ClinVar's aggregate classification.

Illumina Laboratory Services, Illumina
Classification: Likely benign for Deficiency of guanidinoacetate methyltransferase. Last evaluated: 2018-01-12. Review status: criteria provided, single submitter. Criteria: ICSL Variant Classification Criteria 13 December 2019. Collection method: clinical testing. Allele origin: germline. Not counted in ClinVar's aggregate classification.
Comment: This variant was observed in the ICSL laboratory as part of a predisposition screen in an ostensibly healthy population. It had not been previously curated by ICSL or reported in the Human Gene Mutation Database (HGMD: prior to June 1st, 2018), and was therefore a candidate for classification through an automated scoring system. Utilizing variant allele frequency, disease prevalence and penetrance estimates, and inheritance mode, an automated score was calculated to assess if this variant is too frequent to cause the disease. Based on the score and internal cut-off values, a variant classified as likely benign is not then subjected to further curation. The score for this variant resulted in a classification of likely benign for this disease.

NM_000156.6(GAMT):c.242C>T (p.Ala81Val)

Gene: GAMT (guanidinoacetate N-methyltransferase; minus strand). Cytogenetic location: 19p13.3.
Variant type: single nucleotide variant.
Coding change: c.242C>T on transcript NM_000156.6 (MANE Select); coding-DNA position 242, C replaced by T.
Protein change: p.Ala81Val; replaces alanine 81 with valine.
Molecular consequence: missense variant.
Genome position (GRCh38, 1-based): chr19:1,399,878, G>A on the plus strand (C>T on the coding strand, the complement: GAMT is on the minus strand). VCF-style: chr19-1399878-G-A. GRCh37 (hg19) VCF-style: chr19-1399877-G-A.
Other names: p.A81V:GCG>GTG; NM_000156.6(GAMT):c.242C>T; p.Ala81Val; c.242C>T, p.Ala81Val (NM_138924.3); short protein forms A81V.
Identifiers: ClinVar variation 205576 (VCV000205576.20), dbSNP rs751099274, ClinGen allele CA314796.